The following is an entry in ClinVar:

NM_001127898.4(CLCN5):c.2188A>G (p.Ile730Val)

Genes: CLCN5 (Cl-/H+ antiporter 5; plus strand), LOC126863258 (BRD4-independent group 4 enhancer GRCh37_chrX:49854497-49855696; plus strand). Cytogenetic location: Xp11.23.
Variant type: single nucleotide variant.
Coding change: c.2188A>G on transcript NM_001127898.4 (MANE Select); coding-DNA position 2188, A replaced by G.
Protein change: p.Ile730Val; replaces isoleucine 730 with valine.
Molecular consequence: missense variant.
Genome position (GRCh38, 1-based): chrX:50,090,714, A>G. VCF-style: chrX-50090714-A-G. GRCh37 (hg19) VCF-style: chrX-49855371-A-G.
Other names: c.1978A>G, p.Ile660Val (NM_000084.5); c.2188A>G, p.Ile730Val (NM_001127899.4); c.2038A>G, p.Ile680Val (NM_001282163.2); c.1978A>G (NM_000084.2); short protein forms I660V, I680V, I730V.
Identifiers: ClinVar variation 1424968 (VCV001424968.10), dbSNP rs782088515, ClinGen allele CA10413972.

ClinVar aggregate classification (germline): Uncertain significance. Review status: criteria provided, multiple submitters, no conflicts (2 of 4 stars). 3 submissions from 3 submitters: Uncertain significance (3). Last evaluated 2023-03-25.

Conditions:
Inborn genetic diseases. Identifiers: MedGen C0950123, MeSH D030342.
Hypophosphatemic rickets, X-linked recessive (XLHRR). Identifiers: Orphanet 1652, Orphanet 93622, MedGen C1845168, MONDO:0010358, OMIM 300554.
Proteinuria, low molecular weight, with hypercalciuria and nephrocalcinosis. Identifiers: Orphanet 1652, Orphanet 93622, MedGen C1839874, MONDO:0010644, OMIM 308990.
Dent disease type 1 (DENT1). Also called: NEPHROLITHIASIS 2; NEPHROLITHIASIS, HYPERCALCIURIC, X-LINKED. Identifiers: Orphanet 1652, Orphanet 93622, MedGen C1848336, MONDO:0010225, OMIM 300009.
X-linked recessive nephrolithiasis with renal failure (XRN). Also called: NEPHROLITHIASIS 1; NEPHROLITHIASIS, X-LINKED RECESSIVE, TYPE 1; UROLITHIASIS, X-LINKED RECESSIVE, TYPE 1. Identifiers: Orphanet 1652, Orphanet 93622, MedGen C0403720, MONDO:0010687, OMIM 310468.

Allele frequency attached by ClinVar (database versions not stated): gnomAD exomes below 0.00001 and 0.00002; TOPMed below 0.00001; ExAC 0.00001.

Submissions (3):

Labcorp Genetics (formerly Invitae), Labcorp
Classification: Uncertain significance. Last evaluated: 2023-03-25. Review status: criteria provided, single submitter. Criteria: Invitae Variant Classification Sherloc (09022015). Collection method: clinical testing. Allele origin: germline.
Comment: ClinVar contains an entry for this variant (Variation ID: 1424968). This variant has not been reported in the literature in individuals affected with CLCN5-related conditions. This variant is present in population databases (rs782088515, gnomAD 0.01%). This sequence change replaces isoleucine, which is neutral and non-polar, with valine, which is neutral and non-polar, at codon 660 of the CLCN5 protein (p.Ile660Val). An algorithm developed to predict the effect of missense changes on protein structure and function (PolyPhen-2) suggests that this variant is likely to be tolerated. In summary, the available evidence is currently insufficient to determine the role of this variant in disease. Therefore, it has been classified as a Variant of Uncertain Significance.

Ambry Genetics
Classification: Uncertain significance for Inborn genetic diseases. Last evaluated: 2022-11-09. Review status: criteria provided, single submitter. Criteria: Ambry Variant Classification Scheme 2023. Collection method: clinical testing. Allele origin: germline.

Fulgent Genetics
Classification: Uncertain significance for Dent disease type 1; Hypophosphatemic rickets, X-linked recessive; Proteinuria, low molecular weight, with hypercalciuria and nephrocalcinosis; X-linked recessive nephrolithiasis with renal failure. Last evaluated: 2022-05-16. Review status: criteria provided, single submitter. Criteria: ACMG Guidelines, 2015. Collection method: clinical testing. Allele origin: unknown.